The following is an entry in ClinVar:

ClinVar aggregate classification (germline): Uncertain significance. Review status: criteria provided, multiple submitters, no conflicts (2 of 4 stars). 3 submissions from 3 submitters: Uncertain significance (2). 1 of the submissions does not count toward it. Last evaluated 2025-10-06.

Conditions:
Inborn genetic diseases. Identifiers: MedGen C0950123, MeSH D030342.
Tyrosinemia type I (TYRSN1). Also called: FAH DEFICIENCY; Tyrosinemia type 1; Fumarylacetoacetase deficiency; Deficiency of fumarylacetoacetase; HEPATORENAL TYROSINEMIA. Identifiers: Orphanet 882, MedGen C0268490, MONDO:0010161, OMIM 276700. Disease mechanism: loss of function.

Allele frequency attached by ClinVar (database versions not stated): ExAC 0.00001; gnomAD exomes 0.00001; TOPMed 0.00001.

Submissions (3):

Ambry Genetics
Classification: Uncertain significance for Inborn genetic diseases. Last evaluated: 2025-10-06. Review status: criteria provided, single submitter. Criteria: Ambry Variant Classification Scheme 2023. Collection method: clinical testing. Allele origin: germline.

Labcorp Genetics (formerly Invitae), Labcorp
Classification: Uncertain significance for Tyrosinemia type I. Last evaluated: 2022-07-08. Review status: criteria provided, single submitter. Criteria: Invitae Variant Classification Sherloc (09022015). Collection method: clinical testing. Allele origin: germline.
Comment: This sequence change replaces glycine, which is neutral and non-polar, with aspartic acid, which is acidic and polar, at codon 52 of the FAH protein (p.Gly52Asp). This variant is present in population databases (rs780944655, gnomAD 0.006%). This variant has not been reported in the literature in individuals affected with FAH-related conditions. ClinVar contains an entry for this variant (Variation ID: 1006295). Advanced modeling of protein sequence and biophysical properties (such as structural, functional, and spatial information, amino acid conservation, physicochemical variation, residue mobility, and thermodynamic stability) performed at Invitae indicates that this missense variant is not expected to disrupt FAH protein function. In summary, the available evidence is currently insufficient to determine the role of this variant in disease. Therefore, it has been classified as a Variant of Uncertain Significance.

Natera, Inc.
Classification: Uncertain significance for Tyrosinemia type I. Last evaluated: 2018-09-09. Review status: no assertion criteria provided. Collection method: clinical testing. Allele origin: germline. Not counted in ClinVar's aggregate classification.

NM_000137.4(FAH):c.155G>A (p.Gly52Asp)

Gene: FAH (fumarylacetoacetate hydrolase; plus strand). Cytogenetic location: 15q25.1.
Variant type: single nucleotide variant.
Coding change: c.155G>A on transcript NM_000137.4 (MANE Select); coding-DNA position 155, G replaced by A.
Protein change: p.Gly52Asp; replaces glycine 52 with aspartic acid.
Molecular consequence: missense variant.
Genome position (GRCh38, 1-based): chr15:80,158,133, G>A. VCF-style: chr15-80158133-G-A. GRCh37 (hg19) VCF-style: chr15-80450475-G-A.
Other names: c.155G>A (NM_000137.2); c.155G>A, p.Gly52Asp (NM_001374377.1, NM_001374380.1); short protein forms G52D.
Identifiers: ClinVar variation 1006295 (VCV001006295.8), dbSNP rs780944655, ClinGen allele CA7691035.